The following is an entry in ClinVar:

ClinVar aggregate classification (germline): Uncertain significance. Review status: criteria provided, multiple submitters, no conflicts (2 of 4 stars). 2 submissions from 2 submitters: Uncertain significance (2). Last evaluated 2024-07-19.

Allele frequency attached by ClinVar (database versions not stated): ExAC 0.00002; TOPMed 0.00002; gnomAD 0.00004; gnomAD exomes 0.00007.
gnomAD v4.1: 111 of 1,613,870 alleles (0.0069%); highest among the groups gnomAD compares: Non-Finnish European, 0.0092%; no homozygotes.

Submissions (2):

Labcorp Genetics (formerly Invitae), Labcorp
Classification: Uncertain significance. Last evaluated: 2024-07-19. Review status: criteria provided, single submitter. Criteria: Invitae Variant Classification Sherloc (09022015). Collection method: clinical testing. Allele origin: germline.
Comment: This sequence change replaces aspartic acid, which is acidic and polar, with asparagine, which is neutral and polar, at codon 2790 of the CDH23 protein (p.Asp2790Asn). This variant is present in population databases (rs747893535, gnomAD 0.004%). This variant has not been reported in the literature in individuals affected with CDH23-related conditions. ClinVar contains an entry for this variant (Variation ID: 2141164). Advanced modeling of protein sequence and biophysical properties (such as structural, functional, and spatial information, amino acid conservation, physicochemical variation, residue mobility, and thermodynamic stability) performed at Invitae indicates that this missense variant is not expected to disrupt CDH23 protein function with a negative predictive value of 95%. In summary, the available evidence is currently insufficient to determine the role of this variant in disease. Therefore, it has been classified as a Variant of Uncertain Significance.

Blueprint Genetics
Classification: Uncertain significance. Last evaluated: 2023-07-19. Review status: criteria provided, single submitter. Criteria: ACMG Guidelines, 2015. Collection method: clinical testing. Allele origin: germline.

NM_022124.6(CDH23):c.8368G>A (p.Asp2790Asn)

Gene: CDH23 (cadherin related 23; plus strand). Cytogenetic location: 10q22.1.
Variant type: single nucleotide variant.
Coding change: c.8368G>A on transcript NM_022124.6 (MANE Select); coding-DNA position 8368, G replaced by A.
Protein change: p.Asp2790Asn; replaces aspartic acid 2790 with asparagine.
Molecular consequence: missense variant.
Genome position (GRCh38, 1-based): chr10:71,807,575, G>A. VCF-style: chr10-71807575-G-A. GRCh37 (hg19) VCF-style: chr10-73567332-G-A.
Other names: c.1648G>A, p.Asp550Asn (NM_001171933.1, NM_001171934.1); short protein forms D2790N, D550N.
Identifiers: ClinVar variation 2141164 (VCV002141164.4), dbSNP rs747893535, ClinGen allele CA5546632.